The following is an entry in ClinVar:

NM_000264.5(PTCH1):c.3247G>A (p.Val1083Met)

Gene: PTCH1 (patched 1; minus strand). Cytogenetic location: 9q22.32.
Variant type: single nucleotide variant.
Coding change: c.3247G>A on transcript NM_000264.5 (MANE Select); coding-DNA position 3247, G replaced by A.
Protein change: p.Val1083Met; replaces valine 1083 with methionine.
Molecular consequence: missense variant. On other transcripts: non-coding transcript variant (1).
Genome position (GRCh38, 1-based): chr9:95,456,335, C>T on the plus strand (G>A on the coding strand, the complement: PTCH1 is on the minus strand). VCF-style: chr9-95456335-C-T. GRCh37 (hg19) VCF-style: chr9-98218617-C-T.
Other names: c.3049G>A, p.Val1017Met (NM_001083602.3); c.3244G>A, p.Val1082Met (NM_001083603.3); c.2794G>A, p.Val932Met (NM_001083604.3, NM_001083605.3, NM_001083606.3 and 1 more transcripts); c.3091G>A, p.Val1031Met (NM_001354918.2); short protein forms V1017M, V1083M, V1031M, V932M, V1082M.
Identifiers: ClinVar variation 41659 (VCV000041659.45), dbSNP rs202052415, ClinGen allele CA215710.

ClinVar aggregate classification (germline): Conflicting classifications of pathogenicity. Review status: criteria provided, conflicting classifications (1 of 4 stars). 6 submissions from 6 submitters: Uncertain significance (2); Likely benign (3). 1 of the submissions does not count toward it. Last evaluated 2025-12-23.

Conditions:
Holoprosencephaly 7 (HPE7). Identifiers: Orphanet 2162, MedGen C1835820, MONDO:0012562, OMIM 610828.
Gorlin syndrome. Also called: Basal cell nevus syndrome; Nevoid Basal Cell Carcinoma Syndrome. Identifiers: Orphanet 377, MedGen C0004779, MONDO:0007187.
Hereditary cancer-predisposing syndrome. Also called: Tumor predisposition; Neoplastic Syndromes, Hereditary; Hereditary Cancer Syndrome; Hereditary neoplastic syndrome. Identifiers: Orphanet 140162, MedGen C0027672, MeSH D009386, MONDO:0015356.
PTCH1-related disorder. Also called: PTCH1-related disorders; PTCH1-related condition.

Allele frequency attached by ClinVar (database versions not stated): gnomAD 0.00005 and 0.00003; gnomAD exomes 0.00006 and 0.00007; ExAC 0.00008; ESP Exome Variant Server 0.00008; 1000 Genomes Project 30x 0.00016; TOPMed 0.00004.
gnomAD v4.1: 92 of 1,614,084 alleles (0.0057%); highest among the groups gnomAD compares: South Asian, 0.032%; no homozygotes.

Submissions (6):

Labcorp Genetics (formerly Invitae), Labcorp
Classification: Likely benign for Gorlin syndrome. Last evaluated: 2025-12-23. Review status: criteria provided, single submitter. Criteria: Invitae Variant Classification Sherloc (09022015). Collection method: clinical testing. Allele origin: germline.

PreventionGenetics, part of Exact Sciences
Classification: Likely benign for PTCH1-related condition. Last evaluated: 2024-10-31. Review status: criteria provided, single submitter. Criteria: ACMG Guidelines, 2015. Collection method: clinical testing. Allele origin: germline.
Comment: This variant is classified as likely benign based on ACMG/AMP sequence variant interpretation guidelines (Richards et al. 2015 PMID: 25741868, with internal and published modifications).

CeGaT Center for Human Genetics Tuebingen
Classification: Uncertain significance. Last evaluated: 2022-12-01. Review status: criteria provided, single submitter. Criteria: CeGaT Center For Human Genetics Tuebingen Variant Classification Criteria Version 2. Collection method: clinical testing. Allele origin: germline. Affected: yes. Observed: 1 variant allele.
Comment: PTCH1: PP3

Sema4
Classification: Uncertain significance for Hereditary cancer-predisposing syndrome. Last evaluated: 2022-02-10. Review status: criteria provided, single submitter. Criteria: Sema4 Curation Guidelines. Collection method: curation. Allele origin: germline.
Comment: The PTCH1 c.3247G>A (p.V1083M) variant has not been reported in the literature in individuals with PTCH1-related disease to our knowledge. It was observed in 12/30614 chromosomes of the South Asian subpopulation, with no homozygotes, in the large and broad cohorts of the Genome Aggregation Database (PMID: 32461654). This variant has been reported in ClinVar (Variation ID: 41659). Functional studies have not been performed, and in silico predictions of the variant's effect on protein function are inconclusive. The evidence is insufficient to meet ACMG/AMP criteria for classifying the variant as benign or pathogenic. Thus, the clinical significance of this variant is currently uncertain.

Ambry Genetics
Classification: Likely benign for Hereditary cancer-predisposing syndrome. Last evaluated: 2021-12-29. Review status: criteria provided, single submitter. Criteria: Ambry Variant Classification Scheme 2023. Collection method: clinical testing. Allele origin: germline.

Biesecker Lab/Clinical Genomics Section, National Institutes of Health
Classification: Uncertain significance. Last evaluated: 2012-07-13. Review status: no assertion criteria provided. Collection method: research. Allele origin: germline. Affected: no. Observed: 1 variant allele. Study: ClinSeq. Not counted in ClinVar's aggregate classification.
ClinVar note: Converted during submission from variant of unknown significance to Uncertain significance.